The following is an entry in ClinVar:

NM_001195605.2(ZNF865):c.1006_1007del (p.Val336fs)

Gene: ZNF865 (zinc finger protein 865; plus strand). Cytogenetic location: 19q13.42.
Variant type: Microsatellite.
Coding change: c.1006_1007del on transcript NM_001195605.2 (MANE Select); coding-DNA positions 1006 to 1007, 2 bases deleted (GT; older notation c.1006_1007delGT).
Protein change: p.Val336fs; shifts the reading frame from valine 336.
Molecular consequence: frameshift variant.
Genome position (GRCh38, 1-based): chr19:55,614,624-55,614,625, GT deleted; deleting any 2 consecutive bases within chr19:55,614,622-55,614,625 gives the same sequence; the c. name uses the placement nearest the transcript's 3' end. VCF-style (leftmost placement, unchanged base first): chr19-55614621-GGT-G. GRCh37 (hg19) VCF-style: chr19-56125987-GGT-G.
Other names: short protein forms V336fs.
Identifiers: ClinVar variation 3236573 (VCV003236573.1), dbSNP rs2514127267, ClinGen allele CA2825002822.

ClinVar aggregate classification (germline): Uncertain significance (1 of 4 stars; one submission).

Submission:

Clinical Genomics Laboratory, Washington University in St. Louis
Classification: Uncertain significance. Last evaluated: 2023-11-14. Review status: criteria provided, single submitter. Criteria: ACMG Guidelines, 2015. Collection method: clinical testing. Allele origin: germline.
Comment: The ZNF865 c.1006_1007del (p.Val336TrpfsTer233) variant, to our knowledge, has not been reported in the medical literature and is absent from the general population (gnomAD v.2.1.1), indicating it is not a common variant. This variant causes a frameshift by deleting two nucleotides, leading to a premature termination codon; however, because this occurs in the only exon of the gene, this is not predicted to lead to nonsense mediated decay. Due to limited information, the clinical significance of this variant is uncertain.